The following is an entry in ClinVar:

NM_020207.7(ERCC6L2):c.2851A>G (p.Lys951Glu)

Gene: ERCC6L2 (ERCC excision repair 6 like 2; plus strand). Cytogenetic location: 9q22.32.
Variant type: single nucleotide variant.
Coding change: c.2851A>G on transcript NM_020207.7 (MANE Select); coding-DNA position 2851, A replaced by G.
Protein change: p.Lys951Glu; replaces lysine 951 with glutamic acid.
Molecular consequence: missense variant. On other transcripts: non-coding transcript variant (1).
Genome position (GRCh38, 1-based): chr9:95,972,602, A>G. VCF-style: chr9-95972602-A-G. GRCh37 (hg19) VCF-style: chr9-98734884-A-G.
Other names: c.2851A>G, p.Lys951Glu (NM_001375291.1, NM_001375292.1, NM_001375293.1 and 1 more transcripts); short protein forms K951E.
Identifiers: ClinVar variation 1960453 (VCV001960453.5), dbSNP rs1271141170, ClinGen allele CA868838489.

ClinVar aggregate classification (germline): Uncertain significance (1 of 4 stars; one submission).

Allele frequency attached by ClinVar (database versions not stated): gnomAD exomes below 0.00001.
gnomAD v4.1: 6 of 1,289,496 alleles (0.00047%); highest among the groups gnomAD compares: Non-Finnish European, 0.00061%; no homozygotes.

Submission:

Labcorp Genetics (formerly Invitae), Labcorp
Classification: Uncertain significance. Last evaluated: 2022-09-28. Review status: criteria provided, single submitter. Criteria: Invitae Variant Classification Sherloc (09022015). Collection method: clinical testing. Allele origin: germline.
Comment: In summary, the available evidence is currently insufficient to determine the role of this variant in disease. Therefore, it has been classified as a Variant of Uncertain Significance. Algorithms developed to predict the effect of missense changes on protein structure and function are either unavailable or do not agree on the potential impact of this missense change (SIFT: "Tolerated"; PolyPhen-2: "Not Available"; Align-GVGD: "Class C0"). This variant has not been reported in the literature in individuals affected with ERCC6L2-related conditions. This variant is not present in population databases (gnomAD no frequency). This sequence change replaces lysine, which is basic and polar, with glutamic acid, which is acidic and polar, at codon 962 of the ERCC6L2 protein (p.Lys962Glu).